The following is an entry in ClinVar:

ClinVar aggregate classification (germline): Uncertain significance (1 of 4 stars; one submission).

Conditions:
Harel-Yoon syndrome (HAYOS). Also called: Optic atrophy-peripheral neuropathy-developmental delay syndrome. Identifiers: Orphanet 496790, MedGen C4310677, MONDO:0014958, OMIM 617183.

Allele frequency attached by ClinVar (database versions not stated): gnomAD exomes 0.00001.
gnomAD v4.1: 21 of 1,613,088 alleles (0.0013%); highest among the groups gnomAD compares: Non-Finnish European, 0.0018%; no homozygotes.

Submission:

Genetics and Molecular Pathology, SA Pathology
Classification: Uncertain significance for Harel-Yoon syndrome. Last evaluated: 2022-01-21. Review status: criteria provided, single submitter. Criteria: ACMG Guidelines, 2015. Collection method: clinical testing. Allele origin: germline. Affected: yes.
Comment: The ATAD3A c.1639G>C variant is classified as a VARIANT OF UNCERTAIN SIGNIFICANCE (PM2, PP3) This variant is a single nucleotide change in exon 16/16 of the ATAD3A gene, which is predicted to change the amino acid glycine at position 547 in the protein to arginine. The variant has been reported in dbSNP (re144033942) but it is rare in population databases (gnomAD 1/151896, 0 homozygotes) (PM2). The variant has not been reported in the ClinVar or HGMD disease databases. Computaional predictions support a deleterious effect on the gene or gene product (PP3).

NM_001170535.3(ATAD3A):c.1639G>C (p.Gly547Arg)

Gene: ATAD3A (ATPase family AAA domain containing 3A; plus strand). Cytogenetic location: 1p36.33.
Variant type: single nucleotide variant.
Coding change: c.1639G>C on transcript NM_001170535.3 (MANE Select); coding-DNA position 1639, G replaced by C.
Protein change: p.Gly547Arg; replaces glycine 547 with arginine.
Molecular consequence: missense variant.
Genome position (GRCh38, 1-based): chr1:1,533,950, G>C. VCF-style: chr1-1533950-G-C. GRCh37 (hg19) VCF-style: chr1-1469330-G-C.
Other names: c.1402G>C, p.Gly468Arg (NM_001170536.3); c.1783G>C, p.Gly595Arg (NM_018188.5); short protein forms G468R, G547R, G595R.
Identifiers: ClinVar variation 2664851 (VCV002664851.1), dbSNP rs144033942, ClinGen allele CA337863765.